The following is an entry in ClinVar:

ClinVar aggregate classification (germline): Uncertain significance (1 of 4 stars; one submission).

Conditions:
Cardiovascular phenotype. Identifiers: MedGen CN230736.

Allele frequency attached by ClinVar (database versions not stated): gnomAD exomes below 0.00001; TOPMed below 0.00001; gnomAD 0.00001.
gnomAD v4.1: 3 of 1,537,910 alleles (0.0002%); highest among the groups gnomAD compares: Non-Finnish European, 0.00026%; no homozygotes.

Submission:

Ambry Genetics
Classification: Uncertain significance for Cardiovascular phenotype. Last evaluated: 2022-02-16. Review status: criteria provided, single submitter. Criteria: Ambry Variant Classification Scheme 2023. Collection method: clinical testing. Allele origin: germline.
Comment: The p.E3168K variant (also known as c.9502G>A), located in coding exon 2 of the ZNF469 gene, results from a G to A substitution at nucleotide position 9502. The glutamic acid at codon 3168 is replaced by lysine, an amino acid with similar properties. This amino acid position is conserved. In addition, this alteration is predicted to be tolerated by in silico analysis. Since supporting evidence is limited at this time, the clinical significance of this alteration remains unclear.

NM_001367624.2(ZNF469):c.9586G>A (p.Glu3196Lys)

Gene: ZNF469 (zinc finger protein 469; plus strand). Cytogenetic location: 16q24.2.
Variant type: single nucleotide variant.
Coding change: c.9586G>A on transcript NM_001367624.2 (MANE Select); coding-DNA position 9586, G replaced by A.
Protein change: p.Glu3196Lys; replaces glutamic acid 3196 with lysine.
Molecular consequence: missense variant.
Genome position (GRCh38, 1-based): chr16:88,437,056, G>A. VCF-style: chr16-88437056-G-A. GRCh37 (hg19) VCF-style: chr16-88503464-G-A.
Other names: NM_001127464.1:c.9502G>A; short protein forms E3196K.
Identifiers: ClinVar variation 1767197 (VCV001767197.2), dbSNP rs1207161237, ClinGen allele CA397124287.